The following is an entry in ClinVar:

NM_003001.5(SDHC):c.99G>T (p.Thr33=)

Gene: SDHC (succinate dehydrogenase complex subunit C; plus strand). Cytogenetic location: 1q23.3.
Variant type: single nucleotide variant.
Coding change: c.99G>T on transcript NM_003001.5 (MANE Select); coding-DNA position 99, G replaced by T.
Protein change: p.Thr33=; no amino-acid change (threonine 33 retained).
Molecular consequence: synonymous variant. On other transcripts: 5 prime UTR variant (2), non-coding transcript variant (1), intron variant (4).
Genome position (GRCh38, 1-based): chr1:161,328,417, G>T. VCF-style: chr1-161328417-G-T. GRCh37 (hg19) VCF-style: chr1-161298207-G-T.
Other names: c.99G>T, p.Thr33= (NM_001035511.3, NM_001407115.1); c.42G>T, p.Thr14= (NM_001407116.1, NM_001407117.1, NM_001407121.1); c.-13G>T (NM_001407119.1, NM_001407120.1); c.77+4747G>T (NM_001035512.3, NM_001278172.3, NM_001407118.1); c.21-12177G>T (NM_001035513.3).
Identifiers: ClinVar variation 534382 (VCV000534382.18), dbSNP rs145535502, ClinGen allele CA31686006.

ClinVar aggregate classification (germline): Benign/Likely benign. Review status: criteria provided, multiple submitters, no conflicts (2 of 4 stars). 5 submissions from 5 submitters: Benign (1); Likely benign (4). Last evaluated 2026-02-02.

Conditions:
Hereditary cancer-predisposing syndrome. Also called: Hereditary neoplastic syndrome; Neoplastic Syndromes, Hereditary; Hereditary Cancer Syndrome; Tumor predisposition. Identifiers: Orphanet 140162, MedGen C0027672, MeSH D009386, MONDO:0015356.
Hereditary pheochromocytoma and paraganglioma. Also called: Hereditary pheochromocytoma-paraganglioma; Hereditary Paraganglioma-Pheochromocytoma Syndromes; Hereditary paragangliomas and pheochromocytomas. Identifiers: Orphanet 29072, MedGen C4274332, MONDO:0017366.
Pheochromocytoma/paraganglioma syndrome 3. Also called: GLOMUS TUMORS, FAMILIAL, 3; SDHC-Related Hereditary Paraganglioma-Pheochromocytoma Syndrome; Paragangliomas 3; SDHC-Related Hereditary Paraganglioma-Pheochromocytoma Syndrome (Paragangliomas 3). Identifiers: Orphanet 29072, MedGen C1854336, MONDO:0011544, OMIM 605373.
Gastrointestinal stromal tumor. Also called: Gastrointestinal stromal tumor, somatic; Gastrointestinal stroma tumor. Identifiers: Orphanet 44890, MedGen C0238198, MeSH D046152, MONDO:0011719, OMIM 606764, HP:0100723.

Allele frequency attached by ClinVar (database versions not stated): gnomAD 0.00003; ESP Exome Variant Server 0.00015.
gnomAD v4.1: 13 of 1,613,072 alleles (0.00081%); highest among the groups gnomAD compares: South Asian, 0.0011%; no homozygotes.

Submissions (5):

Labcorp Genetics (formerly Invitae), Labcorp
Classification: Likely benign for Pheochromocytoma/paraganglioma syndrome 3; Gastrointestinal stromal tumor. Last evaluated: 2026-02-02. Review status: criteria provided, single submitter. Criteria: Invitae Variant Classification Sherloc (09022015). Collection method: clinical testing. Allele origin: germline.

Myriad Genetics, Inc.
Classification: Benign for Pheochromocytoma/paraganglioma syndrome 3. Last evaluated: 2025-03-14. Review status: criteria provided, single submitter. Criteria: Myriad Autosomal Dominant, Autosomal Recessive and X-Linked Classification Criteria (2023). Collection method: clinical testing. Allele origin: unknown.
Comment: This variant is considered benign. This variant is a silent/synonymous amino acid change and it is not expected to impact splicing.

All of Us Research Program, National Institutes of Health
Classification: Likely benign for Hereditary pheochromocytoma and paraganglioma. Last evaluated: 2023-10-23. Review status: criteria provided, single submitter. Criteria: ACMG Guidelines, 2015. Collection method: clinical testing. Allele origin: germline. Inheritance: Autosomal dominant inheritance. Observed: 5 variant alleles, 5 heterozygotes.
Comment: This study involves interpretation of variants in research participants for the purpose of population health screening. Participant phenotype was not available at the time of variant classification. Additional details can be found in publication PMID: 35346344, PMCID: PMC8962531

Color Diagnostics, LLC DBA Color Health
Classification: Likely benign for Hereditary pheochromocytoma and paraganglioma. Last evaluated: 2022-11-06. Review status: criteria provided, single submitter. Criteria: ACMG Guidelines, 2015. Collection method: clinical testing. Allele origin: germline.

Ambry Genetics
Classification: Likely benign for Hereditary cancer-predisposing syndrome. Last evaluated: 2017-01-04. Review status: criteria provided, single submitter. Criteria: Ambry Variant Classification Scheme 2023. Collection method: clinical testing. Allele origin: germline.